The following is an entry in ClinVar:

NM_002520.7(NPM1):c.513T>G (p.Asp171Glu)

Gene: NPM1 (nucleophosmin 1; plus strand). Cytogenetic location: 5q35.1.
Variant type: single nucleotide variant.
Coding change: c.513T>G on transcript NM_002520.7 (MANE Select); coding-DNA position 513, T replaced by G.
Protein change: p.Asp171Glu; replaces aspartic acid 171 with glutamic acid.
Molecular consequence: missense variant.
Genome position (GRCh38, 1-based): chr5:171,392,967, T>G. VCF-style: chr5-171392967-T-G. GRCh37 (hg19) VCF-style: chr5-170819971-T-G.
Other names: c.513T>G, p.Asp171Glu (NM_001037738.3, NM_001355006.2, NM_001355009.2 and 1 more transcripts); c.321T>G, p.Asp107Glu (NM_001355007.2); c.219T>G, p.Asp73Glu (NM_001355010.2); short protein forms D107E, D171E, D73E.
Identifiers: ClinVar variation 2242526 (VCV002242526.3), dbSNP rs753126733, ClinGen allele CA3558613.

ClinVar aggregate classification (germline): Uncertain significance. Review status: criteria provided, multiple submitters, no conflicts (2 of 4 stars). 2 submissions from 2 submitters: Uncertain significance (2). Last evaluated 2025-06-24.

Conditions:
NPM1-related disorder. Also called: NPM1-related condition.

Allele frequency attached by ClinVar (database versions not stated): gnomAD 0.00001; gnomAD exomes 0.00001; TOPMed 0.00001; ExAC 0.00002.
gnomAD v4.1: 18 of 1,609,524 alleles (0.0011%); highest among the groups gnomAD compares: South Asian, 0.013%; no homozygotes.

Submissions (2):

PreventionGenetics, part of Exact Sciences
Classification: Uncertain significance for NPM1-related condition. Last evaluated: 2025-06-24. Review status: criteria provided, single submitter. Criteria: ACMG Guidelines, 2015. Collection method: clinical testing. Allele origin: germline.
Comment: The NPM1 c.513T>G variant is predicted to result in the amino acid substitution p.Asp171Glu. To our knowledge, this variant has not been reported in the literature. This variant is reported in 0.020% of alleles in individuals of South Asian descent in gnomAD. At this time, the clinical significance of this variant is uncertain due to the absence of conclusive functional and genetic evidence.

Ambry Genetics
Classification: Uncertain significance. Last evaluated: 2021-08-10. Review status: criteria provided, single submitter. Criteria: Ambry Variant Classification Scheme 2023. Collection method: clinical testing. Allele origin: germline.